The following is an entry in ClinVar:

NM_004168.4(SDHA):c.837G>T (p.Met279Ile)

Gene: SDHA (succinate dehydrogenase complex flavoprotein subunit A; plus strand). Cytogenetic location: 5p15.33.
Variant type: single nucleotide variant.
Coding change: c.837G>T on transcript NM_004168.4 (MANE Select); coding-DNA position 837, G replaced by T.
Protein change: p.Met279Ile; replaces methionine 279 with isoleucine.
Molecular consequence: missense variant.
Genome position (GRCh38, 1-based): chr5:230,942, G>T. VCF-style: chr5-230942-G-T. GRCh37 (hg19) VCF-style: chr5-231057-G-T.
Other names: c.693G>T, p.Met231Ile (NM_001294332.2); c.837G>T, p.Met279Ile (NM_001330758.2); short protein forms M279I, M231I.
Identifiers: ClinVar variation 579691 (VCV000579691.15), dbSNP rs746145822, ClinGen allele CA359011770.

ClinVar aggregate classification (germline): Uncertain significance. Review status: criteria provided, multiple submitters, no conflicts (2 of 4 stars). 3 submissions from 3 submitters: Uncertain significance (3). Last evaluated 2024-04-13.

Conditions:
Mitochondrial complex II deficiency, nuclear type 1. Also called: SUCCINATE CoQ REDUCTASE DEFICIENCY. Identifiers: Orphanet 3208, MedGen C5700310, MONDO:0100294, OMIM 252011.
Pheochromocytoma/paraganglioma syndrome 5. Also called: Paragangliomas 5; SDHA-Related Hereditary Paraganglioma-Pheochromocytoma Syndrome. Identifiers: Orphanet 29072, MedGen C3279992, MONDO:0013602, OMIM 614165.
Hereditary cancer-predisposing syndrome. Also called: Neoplastic Syndromes, Hereditary; Tumor predisposition; Hereditary neoplastic syndrome; Hereditary Cancer Syndrome. Identifiers: Orphanet 140162, MedGen C0027672, MeSH D009386, MONDO:0015356.

gnomAD v4.1: 1 of 1,614,038 alleles (0.000062%); highest among the groups gnomAD compares: Non-Finnish European, 0.000085%; no homozygotes.

Submissions (3):

Ambry Genetics
Classification: Uncertain significance for Hereditary cancer-predisposing syndrome. Last evaluated: 2024-04-13. Review status: criteria provided, single submitter. Criteria: Ambry Variant Classification Scheme 2023. Collection method: clinical testing. Allele origin: germline.
Comment: The p.M279I variant (also known as c.837G>T), located in coding exon 7 of the SDHA gene, results from a G to T substitution at nucleotide position 837. The methionine at codon 279 is replaced by isoleucine, an amino acid with highly similar properties. This amino acid position is highly conserved in available vertebrate species. In addition, this alteration is predicted to be deleterious by in silico analysis. Since supporting evidence is limited at this time, the clinical significance of this alteration remains unclear.

Labcorp Genetics (formerly Invitae), Labcorp
Classification: Uncertain significance for Pheochromocytoma/paraganglioma syndrome 5; Mitochondrial complex II deficiency, nuclear type 1. Last evaluated: 2024-03-06. Review status: criteria provided, single submitter. Criteria: Invitae Variant Classification Sherloc (09022015). Collection method: clinical testing. Allele origin: germline.
Comment: This sequence change replaces methionine, which is neutral and non-polar, with isoleucine, which is neutral and non-polar, at codon 279 of the SDHA protein (p.Met279Ile). This variant is not present in population databases (gnomAD no frequency). This variant has not been reported in the literature in individuals affected with SDHA-related conditions. ClinVar contains an entry for this variant (Variation ID: 579691). Advanced modeling of protein sequence and biophysical properties (such as structural, functional, and spatial information, amino acid conservation, physicochemical variation, residue mobility, and thermodynamic stability) performed at Invitae indicates that this missense variant is not expected to disrupt SDHA protein function with a negative predictive value of 95%. In summary, the available evidence is currently insufficient to determine the role of this variant in disease. Therefore, it has been classified as a Variant of Uncertain Significance.

Institute for Clinical Genetics, University Hospital TU Dresden, University Hospital TU Dresden
Classification: Uncertain significance. Last evaluated: 2021-11-03. Review status: criteria provided, single submitter. Criteria: ACMG Guidelines, 2015. Collection method: clinical testing. Allele origin: germline.